The following is an entry in ClinVar:

ClinVar aggregate classification (germline): Uncertain significance (1 of 4 stars; one submission).

Submission:

GeneDx
Classification: Uncertain significance. Last evaluated: 2023-06-12. Review status: criteria provided, single submitter. Criteria: GeneDx Variant Classification Process June 2021. Collection method: clinical testing. Allele origin: germline. Affected: yes.
Comment: Not observed at significant frequency in large population cohorts (gnomAD); In silico analysis supports that this missense variant has a deleterious effect on protein structure/function; Has not been previously published as pathogenic or benign to our knowledge

NM_001197104.2(KMT2A):c.8161G>T (p.Asp2721Tyr)

Gene: KMT2A (lysine methyltransferase 2A; plus strand). Cytogenetic location: 11q23.3.
Variant type: single nucleotide variant.
Coding change: c.8161G>T on transcript NM_001197104.2 (MANE Select); coding-DNA position 8161, G replaced by T.
Protein change: p.Asp2721Tyr; replaces aspartic acid 2721 with tyrosine.
Molecular consequence: missense variant.
Genome position (GRCh38, 1-based): chr11:118,504,053, G>T. VCF-style: chr11-118504053-G-T. GRCh37 (hg19) VCF-style: chr11-118374768-G-T.
Other names: c.8251G>T, p.Asp2751Tyr (NM_001412597.1); c.8152G>T, p.Asp2718Tyr (NM_005933.4); short protein forms D2718Y, D2721Y, D2751Y.
Identifiers: ClinVar variation 3359818 (VCV003359818.1).